The following is an entry in ClinVar:

NM_000055.4(BCHE):c.1354C>T (p.Arg452Ter)

Gene: BCHE (butyrylcholinesterase; minus strand). Cytogenetic location: 3q26.1.
Variant type: single nucleotide variant.
Coding change: c.1354C>T on transcript NM_000055.4 (MANE Select); coding-DNA position 1354, C replaced by T.
Protein change: p.Arg452Ter; replaces arginine 452 with a stop codon.
Molecular consequence: nonsense. On other transcripts: non-coding transcript variant (1).
Genome position (GRCh38, 1-based): chr3:165,829,680, G>A on the plus strand (C>T on the coding strand, the complement: BCHE is on the minus strand). VCF-style: chr3-165829680-G-A. GRCh37 (hg19) VCF-style: chr3-165547468-G-A.
Other names: c.1354C>T (NM_000055.3); short protein forms R452*.
Identifiers: ClinVar variation 1324370 (VCV001324370.9), dbSNP rs530517316, ClinGen allele CA2692328.

ClinVar aggregate classification (germline): Pathogenic/Likely pathogenic. Review status: criteria provided, multiple submitters, no conflicts (2 of 4 stars). 4 submissions from 4 submitters: Pathogenic (1); Likely pathogenic (2). 1 of the submissions does not count toward it. Last evaluated 2023-01-02.

Conditions:
BCHE-related disorder. Also called: BCHE-related condition.
Deficiency of butyrylcholinesterase (BCHED). Also called: Acholinesterasemia; Deficiency of butyrylcholine esterase; BCHE, silent 1; Butyrylcholinesterase deficiency. Identifiers: Orphanet 132, MedGen C1283400, MONDO:0015270, OMIM 617936.

Allele frequency attached by ClinVar (database versions not stated): gnomAD exomes 0.00007; gnomAD 0.00003 and 0.00004; 1000 Genomes Project 30x 0.00016; 1000 Genomes Project 0.00020; ExAC 0.00006.
gnomAD v4.1: 41 of 1,613,760 alleles (0.0025%); highest among the groups gnomAD compares: East Asian, 0.045%; no homozygotes.

Submissions (4):

Department of Pathology and Laboratory Medicine, Sinai Health System
Classification: Likely pathogenic for butyrylcholinesterase deficiency. Last evaluated: 2023-01-02. Review status: criteria provided, single submitter. Criteria: ACMG Guidelines, 2015. Collection method: research. Allele origin: germline.

Revvity Omics, Revvity
Classification: Pathogenic for Deficiency of butyrylcholinesterase. Last evaluated: 2022-08-31. Review status: criteria provided, single submitter. Criteria: ACMG Guidelines, 2015. Collection method: clinical testing. Allele origin: germline.

Juno Genomics, Hangzhou Juno Genomics, Inc
Classification: Likely pathogenic for Deficiency of butyrylcholinesterase. Review status: criteria provided, single submitter. Criteria: ACMG Guidelines, 2015. Collection method: clinical testing. Allele origin: germline. Affected: yes.
Comment: Absent from controls (or at extremely low frequency if recessive) in Genome Aggregation Database, Exome Sequencing Project, 1000 Genomes Project, or Exome Aggregation Consortium.;Null variant in a gene where loss of function (LOF) is a known mechanism of disease.

PreventionGenetics, part of Exact Sciences
Classification: Likely pathogenic for BCHE-related condition. Last evaluated: 2024-09-25. Review status: no assertion criteria provided. Collection method: clinical testing. Allele origin: germline. Not counted in ClinVar's aggregate classification.
Comment: The BCHE c.1354C>T variant is predicted to result in premature protein termination (p.Arg452*). This variant, alternatively referred to as p.Arg424Term using legacy nomenclature, has been reported in the compound heterozygous state in an individual with prolonged post-succinylcholine apnea (Yen et al. 2003. PubMed ID: 12881446). This variant is reported in 0.070% of alleles in individuals of East Asian descent in gnomAD. Nonsense variants in BCHE are expected to be pathogenic. This variant is interpreted as likely pathogenic.